The following is an entry in ClinVar:

NM_002095.6(GTF2E2):c.111GAA[2] (p.Lys40del)

Gene: GTF2E2 (general transcription factor IIE subunit 2; minus strand). Cytogenetic location: 8p12.
Variant type: Microsatellite.
Coding change: c.111GAA[2] on transcript NM_002095.6 (MANE Select); two copies in a row of the 3-base unit GAA starting at c.111; the reference has three copies in a row; one copy, 3 bases deleted.
Protein change: p.Lys40del; deletes lysine 40.
Molecular consequence: inframe deletion.
Genome position (GRCh38, 1-based): chr8:30,653,480-30,653,482, TTC deleted on the plus strand (GAA on the coding strand, the reverse complement: GTF2E2 is on the minus strand); deleting any 3 consecutive bases within chr8:30,653,480-30,653,490 gives the same sequence; the position shown is the placement nearest the transcript's 3' end. VCF-style (leftmost placement, unchanged base first): chr8-30653479-TTTC-T. GRCh37 (hg19) VCF-style: chr8-30510996-TTTC-T.
Other names: c.111GAA[2], p.Lys40del (NM_001348353.1); short protein forms K40del.
Identifiers: ClinVar variation 1427720 (VCV001427720.5), dbSNP rs780181514, ClinGen allele CA4701101.

ClinVar aggregate classification (germline): Uncertain significance (1 of 4 stars; one submission).

Submission:

Labcorp Genetics (formerly Invitae), Labcorp
Classification: Uncertain significance. Last evaluated: 2022-01-06. Review status: criteria provided, single submitter. Criteria: Invitae Variant Classification Sherloc (09022015). Collection method: clinical testing. Allele origin: germline.
Comment: This variant, c.117_119del, results in the deletion of 1 amino acid(s) of the GTF2E2 protein (p.Lys40del), but otherwise preserves the integrity of the reading frame. This variant is present in population databases (rs780181514, gnomAD 0.004%). This variant has not been reported in the literature in individuals affected with GTF2E2-related conditions. Experimental studies and prediction algorithms are not available or were not evaluated, and the functional significance of this variant is currently unknown. In summary, the available evidence is currently insufficient to determine the role of this variant in disease. Therefore, it has been classified as a Variant of Uncertain Significance.